The following is an entry in ClinVar:

ClinVar aggregate classification (germline): Uncertain significance (1 of 4 stars; one submission).

Submission:

Ambry Genetics
Classification: Uncertain significance. Last evaluated: 2023-01-19. Review status: criteria provided, single submitter. Criteria: Ambry Variant Classification Scheme 2023. Collection method: clinical testing. Allele origin: germline.
Comment: The p.G1554E variant (also known as c.4661G>A), located in coding exon 4 of the ALPK2 gene, results from a G to A substitution at nucleotide position 4661. The glycine at codon 1554 is replaced by glutamic acid, an amino acid with similar properties. This amino acid position is conserved. In addition, this alteration is predicted to be tolerated by in silico analysis. Since supporting evidence is limited at this time, the clinical significance of this alteration remains unclear.

NM_052947.4(ALPK2):c.4661G>A (p.Gly1554Glu)

Genes: ALPK2 (alpha kinase 2; minus strand), LOC126862764 (BRD4-independent group 4 enhancer GRCh37_chr18:56202574-56203773; plus strand). Cytogenetic location: 18q21.31.
Variant type: single nucleotide variant.
Coding change: c.4661G>A on transcript NM_052947.4 (MANE Select); coding-DNA position 4661, G replaced by A.
Protein change: p.Gly1554Glu; replaces glycine 1554 with glutamic acid.
Molecular consequence: missense variant.
Genome position (GRCh38, 1-based): chr18:58,535,526, C>T on the plus strand (G>A on the coding strand, the complement: ALPK2 is on the minus strand). VCF-style: chr18-58535526-C-T. GRCh37 (hg19) VCF-style: chr18-56202758-C-T.
Other names: short protein forms G1554E.
Identifiers: ClinVar variation 2449263 (VCV002449263.2), dbSNP rs1216709168, ClinGen allele CA402560570.
Genomic context (GRCh38, chr18:58,535,526, plus strand): 5'-TCAACTATGTCATTTTCAGGGACGTCATGAATTTGGCCTGTGGAGTTGTGCGTGTCAACC[C>T]CAAGAGAAGCGTGAGTCATTATTGGAAGACAACTAGAAAGAGGTGAAGTGGGGGAAATCA-3'
Protein context (NP_443179.3, residues 1544-1564): CLPIMTHASL[Gly1554Glu]VDTHNSTGQI